The following is an entry in ClinVar:

NM_000548.5(TSC2):c.5161-1G>T

Gene: TSC2 (TSC complex subunit 2; plus strand). Cytogenetic location: 16p13.3.
Variant type: single nucleotide variant.
Coding change: c.5161-1G>T on transcript NM_000548.5 (MANE Select); the canonical splice acceptor site of the intron before coding-DNA position 5161, G replaced by T.
Molecular consequence: splice acceptor variant. On other transcripts: intron variant (1).
Genome position (GRCh38, 1-based): chr16:2,088,226, G>T. VCF-style: chr16-2088226-G-T. GRCh37 (hg19) VCF-style: chr16-2138227-G-T.
Other names: c.3619-1G>T (NM_001406693.1, NM_001406692.1, NM_001406694.1); c.5053-1G>T (NM_001406667.1); c.5050-1G>T (NM_001406668.1); c.4561-1G>T (NM_001406680.1); c.4492-1G>T (NM_001406683.1, NM_001406682.1); c.4360-1G>T (NM_001406687.1, NM_001406688.1); c.3748-1G>T (NM_001406689.1); c.3688-1G>T (NM_001406690.1); and 27 more.
Identifiers: ClinVar variation 49848 (VCV000049848.6), dbSNP rs45517404, ClinGen allele CA022018.
Genomic context (GRCh38, chr16:2,088,226, plus strand): 5'-GCTGGTGGGACAGGCCCAGGTGCCACCTGATAGTGAGCTCACCCCCTGCCTACGTCCCCA[G>T]ATGGCCTCACAGGTGCATCATAGCCGCTCCAACCCCACCGATATCTACCCCTCCAAGTGG-3'

ClinVar aggregate classification (germline): Pathogenic/Likely pathogenic. Review status: criteria provided, multiple submitters, no conflicts (2 of 4 stars). 3 submissions from 3 submitters: Pathogenic (1); Likely pathogenic (1). 1 of the submissions does not count toward it. Last evaluated 2023-10-30.

Conditions:
TSC2-related disorder. Also called: TSC2-Related Disorders; TSC2-related condition.
Tuberous sclerosis syndrome (TSC). Also called: Tuberous Sclerosis Complex; Tuberous sclerosis. Identifiers: Orphanet 805, MedGen C0041341, MONDO:0001734.
Tuberous sclerosis 2 (TSC2). Identifiers: Orphanet 805, MedGen C1860707, MONDO:0013199, OMIM 613254.

Submissions (3):

Blueprint Genetics
Classification: Likely pathogenic for TSC2-related disorders. Last evaluated: 2023-10-30. Review status: criteria provided, single submitter. Criteria: ACMG Guidelines, 2015. Collection method: clinical testing. Allele origin: germline. Affected: yes. Observed: 1 variant allele.

Labcorp Genetics (formerly Invitae), Labcorp
Classification: Pathogenic for Tuberous sclerosis 2. Last evaluated: 2022-12-30. Review status: criteria provided, single submitter. Criteria: Invitae Variant Classification Sherloc (09022015). Collection method: clinical testing. Allele origin: germline.
Comment: For these reasons, this variant has been classified as Pathogenic. Algorithms developed to predict the effect of sequence changes on RNA splicing suggest that this variant may disrupt the consensus splice site. ClinVar contains an entry for this variant (Variation ID: 49848). This variant is also known as Intron 39, 5179 -1 GtoT. Disruption of this splice site has been observed in individual(s) with tuberous sclerosis complex (PMID: 10570911, 11112665). This variant is not present in population databases (gnomAD no frequency). This sequence change affects an acceptor splice site in intron 40 of the TSC2 gene. It is expected to disrupt RNA splicing. Variants that disrupt the donor or acceptor splice site typically lead to a loss of protein function (PMID: 16199547), and loss-of-function variants in TSC2 are known to be pathogenic (PMID: 10205261, 17304050).

Tuberous sclerosis database (TSC2)
No classification provided. Condition: TSC. Review status: no classification provided. Criteria: Tuberous Sclerosis Database Assertion Criteria 2015. Collection method: curation. Allele origin: germline. Affected: yes. Not counted in ClinVar's aggregate classification.

Literature cited by the submitters: PubMed 10570911 (cited by Labcorp Genetics (formerly Invitae), Labcorp); PubMed 11112665 (cited by Labcorp Genetics (formerly Invitae), Labcorp); PubMed 16199547 (cited by Labcorp Genetics (formerly Invitae), Labcorp); PubMed 10205261 (cited by Labcorp Genetics (formerly Invitae), Labcorp); PubMed 17304050 (cited by Labcorp Genetics (formerly Invitae), Labcorp).